The following is an entry in ClinVar:

NM_001005388.3(NFASC):c.1987G>A (p.Val663Ile)

Gene: NFASC (neurofascin; plus strand). Cytogenetic location: 1q32.1.
Variant type: single nucleotide variant.
Coding change: c.1987G>A on transcript NM_001005388.3 (MANE Select); coding-DNA position 1987, G replaced by A.
Protein change: p.Val663Ile; replaces valine 663 with isoleucine.
Molecular consequence: missense variant.
Genome position (GRCh38, 1-based): chr1:204,979,370, G>A. VCF-style: chr1-204979370-G-A. GRCh37 (hg19) VCF-style: chr1-204948498-G-A.
Other names: c.2020G>A, p.Val674Ile (NM_001160331.2); c.1975G>A, p.Val659Ile (NM_001160332.2, NM_001365986.1, NM_015090.4); c.1987G>A, p.Val663Ile (NM_001378329.1); c.1987G>A (NM_001005388.2); short protein forms V674I, V663I, V659I.
Identifiers: ClinVar variation 2160274 (VCV002160274.3), dbSNP rs148589226, ClinGen allele CA1350151.

ClinVar aggregate classification (germline): Conflicting classifications of pathogenicity. Review status: criteria provided, conflicting classifications (1 of 4 stars). 2 submissions from 2 submitters: Uncertain significance (1); Likely benign (1). Last evaluated 2023-05-04.

Conditions:
Inborn genetic diseases. Identifiers: MedGen C0950123, MeSH D030342.

Allele frequency attached by ClinVar (database versions not stated): ESP Exome Variant Server 0.00008; ExAC 0.00012; TOPMed 0.00018; gnomAD 0.00021.
gnomAD v4.1: 119 of 1,613,774 alleles (0.0074%); highest among the groups gnomAD compares: Admixed American, 0.043%; no homozygotes.

Submissions (2):

Ambry Genetics
Classification: Likely benign for Inborn genetic diseases. Last evaluated: 2023-05-04. Review status: criteria provided, single submitter. Criteria: Ambry Variant Classification Scheme 2023. Collection method: clinical testing. Allele origin: germline.

Labcorp Genetics (formerly Invitae), Labcorp
Classification: Uncertain significance. Last evaluated: 2022-11-03. Review status: criteria provided, single submitter. Criteria: Invitae Variant Classification Sherloc (09022015). Collection method: clinical testing. Allele origin: germline.
Comment: This sequence change replaces valine, which is neutral and non-polar, with isoleucine, which is neutral and non-polar, at codon 659 of the NFASC protein (p.Val659Ile). This variant is present in population databases (rs148589226, gnomAD 0.05%). This variant has not been reported in the literature in individuals affected with NFASC-related conditions. Algorithms developed to predict the effect of missense changes on protein structure and function output the following: SIFT: "Tolerated"; PolyPhen-2: "Benign"; Align-GVGD: "Class C0". The isoleucine amino acid residue is found in multiple mammalian species, which suggests that this missense change does not adversely affect protein function. In summary, the available evidence is currently insufficient to determine the role of this variant in disease. Therefore, it has been classified as a Variant of Uncertain Significance.